The following is an entry in ClinVar:

NM_003823.4(TNFRSF6B):c.686T>C (p.Leu229Pro)

Genes: RTEL1-TNFRSF6B (RTEL1-TNFRSF6B readthrough (NMD candidate); plus strand), TNFRSF6B (TNF receptor superfamily member 6b; plus strand). Cytogenetic location: 20q13.33.
Variant type: single nucleotide variant.
Coding change: c.686T>C on transcript NM_003823.4 (MANE Select); coding-DNA position 686, T replaced by C.
Protein change: p.Leu229Pro; replaces leucine 229 with proline.
Molecular consequence: missense variant. On other transcripts: non-coding transcript variant (1).
Genome position (GRCh38, 1-based): chr20:63,698,346, T>C. VCF-style: chr20-63698346-T-C. GRCh37 (hg19) VCF-style: chr20-62329699-T-C.
Other names: short protein forms L229P.
Identifiers: ClinVar variation 1373607 (VCV001373607.6), dbSNP rs750168237, ClinGen allele CA317536163.

ClinVar aggregate classification (germline): Uncertain significance (1 of 4 stars; one submission).

Allele frequency attached by ClinVar (database versions not stated): TOPMed 0.00001.

Submission:

Labcorp Genetics (formerly Invitae), Labcorp
Classification: Uncertain significance. Last evaluated: 2024-10-29. Review status: criteria provided, single submitter. Criteria: Invitae Variant Classification Sherloc (09022015). Collection method: clinical testing. Allele origin: germline.
Comment: This sequence change replaces leucine, which is neutral and non-polar, with proline, which is neutral and non-polar, at codon 229 of the TNFRSF6B protein (p.Leu229Pro). This variant is present in population databases (no rsID available, gnomAD 0.008%). This variant has not been reported in the literature in individuals affected with TNFRSF6B-related conditions. ClinVar contains an entry for this variant (Variation ID: 1373607). An algorithm developed to predict the effect of missense changes on protein structure and function (PolyPhen-2) suggests that this variant is likely to be disruptive. In summary, the available evidence is currently insufficient to determine the role of this variant in disease. Therefore, it has been classified as a Variant of Uncertain Significance.